The following is an entry in ClinVar:

NM_001023.4(RPS20):c.117G>T (p.Leu39Phe)

Gene: RPS20 (ribosomal protein S20; minus strand). Cytogenetic location: 8q12.1.
Variant type: single nucleotide variant.
Coding change: c.117G>T on transcript NM_001023.4 (MANE Select); coding-DNA position 117, G replaced by T.
Protein change: p.Leu39Phe; replaces leucine 39 with phenylalanine.
Molecular consequence: missense variant.
Genome position (GRCh38, 1-based): chr8:56,073,755, C>A on the plus strand (G>T on the coding strand, the complement: RPS20 is on the minus strand). VCF-style: chr8-56073755-C-A. GRCh37 (hg19) VCF-style: chr8-56986314-C-A.
Other names: c.117G>T, p.Leu39Phe (NM_001146227.3); short protein forms L39F.
Identifiers: ClinVar variation 4844309 (VCV004844309.1).

ClinVar aggregate classification (germline): Uncertain significance (1 of 4 stars; one submission).

Submission:

Ambry Genetics
Classification: Uncertain significance. Last evaluated: 2026-01-20. Review status: criteria provided, single submitter. Criteria: Ambry Variant Classification Scheme 2023. Collection method: clinical testing. Allele origin: germline.
Comment: The p.L39F variant (also known as c.117G>T), located in coding exon 3 of the RPS20 gene, results from a G to T substitution at nucleotide position 117. The leucine at codon 39 is replaced by phenylalanine, an amino acid with highly similar properties. This amino acid position is highly conserved in available vertebrate species. In addition, this alteration is predicted to be deleterious by in silico analysis. Based on the available evidence, the clinical significance of this variant remains unclear.